The following is an entry in ClinVar:

ClinVar aggregate classification (germline): Pathogenic/Likely pathogenic. Review status: criteria provided, multiple submitters, no conflicts (2 of 4 stars). 2 submissions from 2 submitters: Pathogenic (1); Likely pathogenic (1). Last evaluated 2024-05-09.

Conditions:
Myoglobinuria, acute recurrent, autosomal recessive. Also called: MYOGLOBINURIA, FAMILIAL PAROXYSMAL PARALYTIC; Myoglobinuria, recurrent, autosomal recessive; RHABDOMYOLYSIS, ACUTE RECURRENT. Identifiers: Orphanet 99845, MedGen C1849386, MONDO:0009992, OMIM 268200.

Submissions (2):

Fulgent Genetics
Classification: Likely pathogenic for Myoglobinuria, acute recurrent, autosomal recessive. Last evaluated: 2024-05-09. Review status: criteria provided, single submitter. Criteria: ACMG Guidelines, 2015. Collection method: clinical testing. Allele origin: germline.

Labcorp Genetics (formerly Invitae), Labcorp
Classification: Pathogenic. Last evaluated: 2023-03-26. Review status: criteria provided, single submitter. Criteria: Invitae Variant Classification Sherloc (09022015). Collection method: clinical testing. Allele origin: germline.
Comment: This variant is not present in population databases (gnomAD no frequency). For these reasons, this variant has been classified as Pathogenic. This variant has not been reported in the literature in individuals affected with LPIN1-related conditions. This sequence change creates a premature translational stop signal (p.Ser243Profs*48) in the LPIN1 gene. It is expected to result in an absent or disrupted protein product. Loss-of-function variants in LPIN1 are known to be pathogenic (PMID: 18817903, 20583302, 22481384, 26111941).

Literature cited by the submitters: PubMed 18817903 (cited by Labcorp Genetics (formerly Invitae), Labcorp); PubMed 20583302 (cited by Labcorp Genetics (formerly Invitae), Labcorp); PubMed 22481384 (cited by Labcorp Genetics (formerly Invitae), Labcorp); PubMed 26111941 (cited by Labcorp Genetics (formerly Invitae), Labcorp).

NM_001349206.2(LPIN1):c.835del (p.Ser279fs)

Genes: LPIN1 (lipin 1; plus strand), LOC126806147 (CDK7 strongly-dependent group 2 enhancer GRCh37_chr2:11919054-11920253; plus strand). Cytogenetic location: 2p25.1.
Variant type: Deletion.
Coding change: c.835del on transcript NM_001349206.2 (MANE Select); coding-DNA position 835, one base deleted (T; older notation c.835delT).
Protein change: p.Ser279fs; shifts the reading frame from serine 279.
Molecular consequence: frameshift variant. On other transcripts: non-coding transcript variant (1).
Genome position (GRCh38, 1-based): chr2:11,779,523, T deleted; the last of 2 consecutive T bases (chr2:11,779,522-11,779,523); deleting either gives the same sequence. VCF-style (leftmost placement, unchanged base first): chr2-11779521-CT-C. GRCh37 (hg19) VCF-style: chr2-11919647-CT-C.
Other names: c.745del, p.Ser249fs (NM_001261427.3); c.982del, p.Ser328fs (NM_001261428.3); c.727del, p.Ser243fs (NM_001349199.2, NM_001349200.2, NM_001349201.2 and 1 more transcripts); c.832del, p.Ser278fs (NM_001349202.2, NM_001349203.2); c.835del, p.Ser279fs (NM_001349204.2, NM_001349205.2); c.925del, p.Ser309fs (NM_001349207.2); c.874del, p.Ser292fs (NM_001349208.2); short protein forms S292fs, S278fs, S279fs, S309fs, S243fs, S249fs, S328fs.
Identifiers: ClinVar variation 3006629 (VCV003006629.4), dbSNP rs1673217321, ClinGen allele CA2489147811.
Genomic context (GRCh38, chr2:11,779,521, plus strand): 5'-AAAACATTTACAAAAGTTTCTTTTCCCACCTTAATTTTCGCTTTGTGTTTTCCTTAAGTC[CT>C]TCCGGTTCCCGACCTTCAACACCTAAAAGTGATTCAGAATTGGTCAGCAAGTCCACGGAA-3'